The following is an entry in ClinVar:

NM_001165963.4(SCN1A):c.5A>G (p.Glu2Gly)

Gene: SCN1A (sodium voltage-gated channel alpha subunit 1; minus strand). Cytogenetic location: 2q24.3.
Variant type: single nucleotide variant.
Coding change: c.5A>G on transcript NM_001165963.4 (MANE Select); coding-DNA position 5, A replaced by G.
Protein change: p.Glu2Gly; replaces glutamic acid 2 with glycine.
Molecular consequence: missense variant. On other transcripts: 5 prime UTR variant (1), non-coding transcript variant (1).
Genome position (GRCh38, 1-based): chr2:166,073,617, T>C on the plus strand (A>G on the coding strand, the complement: SCN1A is on the minus strand). VCF-style: chr2-166073617-T-C. GRCh37 (hg19) VCF-style: chr2-166930127-T-C.
Other names: c.5A>G, p.Glu2Gly (NM_001165964.3, NM_001202435.3, NM_001353948.2 and 10 more transcripts); c.-2421A>G (NM_001353961.2); short protein forms E2G.
Identifiers: ClinVar variation 4875125 (VCV004875125.2).

ClinVar aggregate classification (germline): Uncertain significance (1 of 4 stars; one submission).

Submission:

CeGaT Center for Human Genetics Tuebingen
Classification: Uncertain significance. Last evaluated: 2026-06-01. Review status: criteria provided, single submitter. Criteria: CeGaT Center For Human Genetics Tuebingen Variant Classification Criteria Version 2. Collection method: clinical testing. Allele origin: germline. Affected: yes. Observed: 1 variant allele.
Comment: SCN1A: PM2